The following is an entry in ClinVar:

NM_004329.3(BMPR1A):c.1167T>G (p.Ser389Arg)

Gene: BMPR1A (bone morphogenetic protein receptor type 1A; plus strand). Cytogenetic location: 10q23.2.
Variant type: single nucleotide variant.
Coding change: c.1167T>G on transcript NM_004329.3 (MANE Select); coding-DNA position 1167, T replaced by G.
Protein change: p.Ser389Arg; replaces serine 389 with arginine.
Molecular consequence: missense variant.
Genome position (GRCh38, 1-based): chr10:86,921,520, T>G. VCF-style: chr10-86921520-T-G. GRCh37 (hg19) VCF-style: chr10-88681277-T-G.
Other names: short protein forms S389R.
Identifiers: ClinVar variation 574897 (VCV000574897.11), dbSNP rs1564724948, ClinGen allele CA377461800.

ClinVar aggregate classification (germline): Uncertain significance (1 of 4 stars; one submission).

Conditions:
Juvenile polyposis syndrome (JPS). Identifiers: Orphanet 2929, MedGen C0345893, MONDO:0017380, OMIM 174900.

Submission:

Labcorp Genetics (formerly Invitae), Labcorp
Classification: Uncertain significance for Juvenile polyposis syndrome. Last evaluated: 2019-12-07. Review status: criteria provided, single submitter. Criteria: Invitae Variant Classification Sherloc (09022015). Collection method: clinical testing. Allele origin: germline.
Comment: In summary, the available evidence is currently insufficient to determine the role of this variant in disease. Therefore, it has been classified as a Variant of Uncertain Significance. Algorithms developed to predict the effect of missense changes on protein structure and function are either unavailable or do not agree on the potential impact of this missense change (SIFT: "Deleterious"; PolyPhen-2: "Probably Damaging"; Align-GVGD: "Class C15"). This variant has not been reported in the literature in individuals with BMPR1A-related disease. This variant is not present in population databases (ExAC no frequency). This sequence change replaces serine with arginine at codon 389 of the BMPR1A protein (p.Ser389Arg). The serine residue is highly conserved and there is a moderate physicochemical difference between serine and arginine.